The following is an entry in ClinVar:

ClinVar aggregate classification (germline): Uncertain significance (1 of 4 stars; one submission).

Conditions:
CHD4-related disorder. Also called: CHD4-related condition.

Submission:

PreventionGenetics, part of Exact Sciences
Classification: Uncertain significance for CHD4-related condition. Last evaluated: 2025-04-28. Review status: criteria provided, single submitter. Criteria: ACMG Guidelines, 2015. Collection method: clinical testing. Allele origin: germline.
Comment: The CHD4 c.3037A>G variant is predicted to result in the amino acid substitution p.Met1013Val. To our knowledge, this variant has not been reported in the literature or in a large population database (gnomAD), indicating this variant is rare. At this time, the clinical significance of this variant is uncertain due to the absence of conclusive functional and genetic evidence.

NM_001273.5(CHD4):c.3037A>G (p.Met1013Val)

Gene: CHD4 (chromodomain helicase DNA binding protein 4; minus strand). Cytogenetic location: 12p13.31.
Variant type: single nucleotide variant.
Coding change: c.3037A>G on transcript NM_001273.5 (MANE Select); coding-DNA position 3037, A replaced by G.
Protein change: p.Met1013Val; replaces methionine 1013 with valine.
Molecular consequence: missense variant.
Genome position (GRCh38, 1-based): chr12:6,591,969, T>C on the plus strand (A>G on the coding strand, the complement: CHD4 is on the minus strand). VCF-style: chr12-6591969-T-C. GRCh37 (hg19) VCF-style: chr12-6701135-T-C.
Other names: c.3016A>G, p.Met1006Val (NM_001297553.2); c.2998A>G, p.Met1000Val (NM_001363606.2); short protein forms M1000V, M1006V, M1013V.
Identifiers: ClinVar variation 4999690 (VCV004999690.1).